The following is an entry in ClinVar:

ClinVar aggregate classification (germline): Pathogenic. Review status: criteria provided, multiple submitters, no conflicts (2 of 4 stars). 2 submissions from 2 submitters: Pathogenic (2). Last evaluated 2025-11-28.

Conditions:
Chédiak-Higashi syndrome (CHS). Also called: Chediak-Higashi Syndrome. Identifiers: Orphanet 167, MedGen C0007965, MONDO:0008963, OMIM 214500.

Allele frequency attached by ClinVar (database versions not stated): TOPMed below 0.00001.

Submissions (2):

Labcorp Genetics (formerly Invitae), Labcorp
Classification: Pathogenic for Chédiak-Higashi syndrome. Last evaluated: 2025-11-28. Review status: criteria provided, single submitter. Criteria: Invitae Variant Classification Sherloc (09022015). Collection method: clinical testing. Allele origin: germline.
Comment: This sequence change creates a premature translational stop signal (p.Gly3126Valfs*2) in the LYST gene. It is expected to result in an absent or disrupted protein product. Loss-of-function variants in LYST are known to be pathogenic (PMID: 9215679, 11857544). This variant is not present in population databases (gnomAD no frequency). This variant has not been reported in the literature in individuals affected with LYST-related conditions. ClinVar contains an entry for this variant (Variation ID: 1323263). For these reasons, this variant has been classified as Pathogenic.

Revvity Omics, Revvity
Classification: Pathogenic for Chédiak-Higashi syndrome. Last evaluated: 2019-08-30. Review status: criteria provided, single submitter. Criteria: ACMG Guidelines, 2015. Collection method: clinical testing. Allele origin: germline.

Literature cited by the submitters: PubMed 9215679 (cited by Labcorp Genetics (formerly Invitae), Labcorp); PubMed 11857544 (cited by Labcorp Genetics (formerly Invitae), Labcorp).

NM_000081.4(LYST):c.9377_9389del (p.Gly3126fs)

Gene: LYST (lysosomal trafficking regulator; minus strand). Cytogenetic location: 1q42.3.
Variant type: Deletion.
Coding change: c.9377_9389del on transcript NM_000081.4 (MANE Select); coding-DNA positions 9377 to 9389, 13 bases deleted (GTAACATCACCGC).
Protein change: p.Gly3126fs; shifts the reading frame from glycine 3126.
Molecular consequence: frameshift variant.
Genome position (GRCh38, 1-based): chr1:235,720,832-235,720,844, GCGGTGATGTTAC deleted on the plus strand (GTAACATCACCGC on the coding strand, the reverse complement: LYST is on the minus strand). VCF-style (leftmost placement, unchanged base first): chr1-235720831-AGCGGTGATGTTAC-A. GRCh37 (hg19) VCF-style: chr1-235884131-AGCGGTGATGTTAC-A.
Other names: c.9377_9389del, p.Gly3126fs (NM_001301365.1); short protein forms G3126fs.
Identifiers: ClinVar variation 1323263 (VCV001323263.8), dbSNP rs1663294340, ClinGen allele CA2486617585.